The following is an entry in ClinVar:

ClinVar aggregate classification (germline): Uncertain significance (1 of 4 stars; one submission).

Conditions:
Cardiovascular phenotype. Identifiers: MedGen CN230736.

Allele frequency attached by ClinVar (database versions not stated): gnomAD exomes below 0.00001.
gnomAD v4.1: 1 of 1,614,042 alleles (0.000062%); highest among the groups gnomAD compares: Non-Finnish European, 0.000085%; no homozygotes.

Submission:

Ambry Genetics
Classification: Uncertain significance for Cardiovascular phenotype. Last evaluated: 2022-12-31. Review status: criteria provided, single submitter. Criteria: Ambry Variant Classification Scheme 2023. Collection method: clinical testing. Allele origin: germline.
Comment: The p.R3020S variant (also known as c.9060G>T), located in coding exon 26 of the APOB gene, results from a G to T substitution at nucleotide position 9060. The arginine at codon 3020 is replaced by serine, an amino acid with dissimilar properties. This amino acid position is conserved. In addition, this alteration is predicted to be tolerated by in silico analysis. Since supporting evidence is limited at this time, the clinical significance of this alteration remains unclear.

NM_000384.3(APOB):c.9060G>T (p.Arg3020Ser)

Gene: APOB (apolipoprotein B; minus strand). Cytogenetic location: 2p24.1.
Variant type: single nucleotide variant.
Coding change: c.9060G>T on transcript NM_000384.3 (MANE Select); coding-DNA position 9060, G replaced by T.
Protein change: p.Arg3020Ser; replaces arginine 3020 with serine.
Molecular consequence: missense variant.
Genome position (GRCh38, 1-based): chr2:21,007,808, C>A on the plus strand (G>T on the coding strand, the complement: APOB is on the minus strand). VCF-style: chr2-21007808-C-A. GRCh37 (hg19) VCF-style: chr2-21230680-C-A.
Other names: short protein forms R3020S.
Identifiers: ClinVar variation 2451305 (VCV002451305.2), dbSNP rs1318320368, ClinGen allele CA345992525.